The following is an entry in ClinVar:

ClinVar aggregate classification (germline): Likely benign. Review status: reviewed by expert panel (3 of 4 stars). 16 submissions from 16 submitters: Likely benign (1). 15 of the submissions do not count toward it. Last evaluated 2023-04-18.

Conditions:
Glycogen storage disease, type II (IOPD). Also called: Pompe Disease; CARDIOMEGALIA GLYCOGENICA DIFFUSA; Glucosidase acid-1,4-alpha deficiency; POMPE DISEASE, INFANTILE-ONSET; GLYCOGEN STORAGE DISEASE II, INFANTILE-ONSET; ACID ALPHA-GLUCOSIDASE DEFICIENCY, INFANTILE-ONSET. Identifiers: Orphanet 365, MedGen C0017921, MONDO:0009290, OMIM 232300.

Allele frequency attached by ClinVar (database versions not stated): gnomAD 0.00269 and 0.00276; ExAC 0.00272; gnomAD exomes 0.00278 and 0.00443; 1000 Genomes Project 0.00280; 1000 Genomes Project 30x 0.00281; TOPMed 0.00283; ESP Exome Variant Server 0.00308.
gnomAD v4.1: 6,881 of 1,613,868 alleles (0.43%); highest among the groups gnomAD compares: Non-Finnish European, 0.53%; 20 homozygotes.

Submissions (16):

ClinGen Lysosomal Storage Disorder Variant Curation Expert Panel
Classification: Likely benign for Glycogen storage disease, type II. Last evaluated: 2023-04-18. Review status: reviewed by expert panel. Criteria: clingen_lsd_acmg_specifications_v2-1. Collection method: curation. Allele origin: germline. Inheritance: Autosomal recessive inheritance.
Comment: The NM_000152.5:c.1552-13G>A variant is located near the acceptor splice region of intron 10 of GAA. The computational splicing predictor SpliceAI predicts that the variant has no impact on splicing (BP4). To our knowledge, functional studies investigating the impact of this variant on splicing are not available. The highest population minor allele frequency in gnomAD v2.1.1 is 0.004705 (607/129008 alleles) in the European non-Finnish population, which meets the ClinGen LSD VCEP’s threshold for BS1 (>0.005) when rounded up (BS1). There are 2 homozygotes in gnomAD v2.1.1. The variant was reported in a patient with Pompe disease along with a variant that has been classified as pathogenic by the ClinGen LD VCEP (c.841C>T (p.Arg281Trp); the phase was not reported in that patient (PMID: 31086307). However, analysis of clinical laboratory data in multiple patients with these two variants indicates that they likely occur in cis. There is a ClinVar entry for this variant (Variation ID: 255353). In summary, this variant meets the criteria to be classified as likely benign for Pompe disease. GAA-specific ACMG/AMP criteria met, as specified by the ClinGen Lysosomal Diseases Variant Curation Expert Panel (Specifications Version 2.0): BS1, BP4. Classification approved by the ClinGen Lysosomal Diseases Variant Curation Expert Panel, April 18th, 2023).

CeGaT Center for Human Genetics Tuebingen
Classification: Likely benign. Last evaluated: 2026-09-01. Review status: criteria provided, single submitter. Criteria: CeGaT Center For Human Genetics Tuebingen Variant Classification Criteria Version 2. Collection method: clinical testing. Allele origin: germline. Affected: yes. Observed: 32 variant alleles. Not counted in ClinVar's aggregate classification.
Comment: GAA: BS2

Genomenon, Inc
Classification: Uncertain significance for Glycogen storage disease, type II. Last evaluated: 2026-07-01. Review status: criteria provided, single submitter. Criteria: Genomenon Sequence Variant Interpretation Standards - Updated. Collection method: curation. Allele origin: germline. Affected: yes. Not counted in ClinVar's aggregate classification.
Comment: GAA c.1552-13G>A is an intronic variant located in the acceptor splice region of intron 10. This variant has been observed in at least one proband with a GAA-related disorder (PMID:31086307). In silico models predict that this variant is not damaging. In conclusion, we classify GAA c.1552-13G>A as a variant of uncertain significance.

Labcorp Genetics (formerly Invitae), Labcorp
Classification: Benign for Glycogen storage disease, type II. Last evaluated: 2026-02-03. Review status: criteria provided, single submitter. Criteria: Invitae Variant Classification Sherloc (09022015). Collection method: clinical testing. Allele origin: germline. Not counted in ClinVar's aggregate classification.

ARUP Laboratories, Molecular Genetics and Genomics, ARUP Laboratories
Classification: Likely benign for Glycogen storage disease, type II. Last evaluated: 2025-07-22. Review status: criteria provided, single submitter. Criteria: ARUP Molecular Germline Variant Investigation Process 2024. Collection method: clinical testing. Allele origin: germline. Not counted in ClinVar's aggregate classification.

Mayo Clinic Laboratories, Mayo Clinic
Classification: Likely benign. Last evaluated: 2025-07-08. Review status: criteria provided, single submitter. Criteria: ACMG Guidelines, 2015. Collection method: clinical testing. Allele origin: germline. Observed: 8 variant alleles. Not counted in ClinVar's aggregate classification.
Comment: BS1, BP4, BP7

Blueprint Genetics
Classification: Likely benign. Last evaluated: 2024-11-22. Review status: criteria provided, single submitter. Criteria: ACMG Guidelines, 2015. Collection method: clinical testing. Allele origin: germline. Not counted in ClinVar's aggregate classification.

GeneDx
Classification: Likely benign. Last evaluated: 2022-07-08. Review status: criteria provided, single submitter. Criteria: GeneDx Variant Classification Process June 2021. Collection method: clinical testing. Allele origin: germline. Affected: yes. Not counted in ClinVar's aggregate classification.
Comment: See Variant Classification Assertion Criteria.

Broad Center for Mendelian Genomics, Broad Institute of MIT and Harvard
Classification: Likely benign for Glycogen storage disease, type II. Last evaluated: 2020-01-22. Review status: criteria provided, single submitter. Criteria: ACMG Guidelines, 2015. Collection method: curation. Allele origin: germline. Inheritance: Autosomal recessive inheritance. Not counted in ClinVar's aggregate classification.
Comment: The c.1552-13G>A variant in GAA has not been previously reported in individuals with Glycogen Storage Disease II but has been reported as a likely benign variant (by GeneDx, EGL, and Prevention Genetics) and as a VUS (by Illumina) in ClinVar (Variation ID: 255353). This variant has been identified in 0.4705% (607/129008) of European (non-Finnish) chromosomes, including 2 homozygotes, by the Genome Aggregation Database (gnomAD; dbSNP rs111261964). Although this variant has been seen in the general population, its frequency is not high enough to rule out a pathogenic role. Computational prediction tools and conservation analyses suggest that this variant may not impact the protein, though this information is not predictive enough to rule out pathogenicity. However, novel synonymous variants supported by computational evidence without raised suspicion for an impact are likely benign (PMID: 25741868). In summary, although additional studies are required to fully establish its clinical significance, this variant is likely benign. ACMG/AMP Criteria applied: BP4, BP7 (Richards 2015).

Women's Health and Genetics/Laboratory Corporation of America, LabCorp
Classification: Likely benign. Last evaluated: 2018-01-25. Review status: criteria provided, single submitter. Criteria: LabCorp Variant Classification Summary - May 2015. Collection method: clinical testing. Allele origin: germline. Not counted in ClinVar's aggregate classification.
Comment: Variant summary: The GAA c.1552-13G>A variant involves the alteration of a non-conserved intronic nucleotide. One in silico tool predicts a benign outcome for this variant. 5/5 splice prediction tools predict no significant impact on normal splicing. However, these predictions have yet to be confirmed by functional studies. This variant was found in 788/277130 control chromosomes (2 homozygotes), predominantly observed in the European (Non-Finnish) subpopulation at a frequency of 0.004675 (592/126628)(gnomAD). This frequency is slightly above the estimated maximal expected allele frequency of a pathogenic GAA variant (0.0042205), suggesting this is likely a benign polymorphism found primarily in the populations of European (Non-Finnish) origin. In addition, multiple clinical diagnostic laboratories/reputable databases classified this variant as likely benign and one other lab classified it as VUS. Taken together, this variant is classified as likely benign.

Illumina Laboratory Services, Illumina
Classification: Uncertain significance for Glycogen storage disease, type II. Last evaluated: 2018-01-13. Review status: criteria provided, single submitter. Criteria: ICSL Variant Classification Criteria 13 December 2019. Collection method: clinical testing. Allele origin: germline. Not counted in ClinVar's aggregate classification.

Eurofins Ntd Llc (ga)
Classification: Likely benign. Last evaluated: 2015-12-16. Review status: criteria provided, single submitter. Criteria: EGL Classification Definitions 2015. Collection method: clinical testing. Allele origin: germline. Observed: 1 variant allele, 1 heterozygote. Not counted in ClinVar's aggregate classification.

Stanford Center for Inherited Cardiovascular Disease, Stanford University
Classification: Uncertain significance. Last evaluated: 2011-02-17. Review status: criteria provided, single submitter. Criteria: ACMG Guidelines, 2015. Collection method: provider interpretation. Allele origin: germline. Not counted in ClinVar's aggregate classification.

PreventionGenetics, part of Exact Sciences
Classification: Likely benign. Review status: criteria provided, single submitter. Criteria: ACMG Guidelines, 2015. Collection method: clinical testing. Allele origin: germline. Not counted in ClinVar's aggregate classification.

Clinical Genetics DNA and cytogenetics Diagnostics Lab, Erasmus MC, Erasmus Medical Center
Classification: Benign. Review status: no assertion criteria provided. Collection method: clinical testing. Allele origin: germline. Affected: yes. Study: VKGL Data-share Consensus. Not counted in ClinVar's aggregate classification.

Genome Diagnostics Laboratory, University Medical Center Utrecht
Classification: Likely benign. Review status: no assertion criteria provided. Collection method: clinical testing. Allele origin: germline. Affected: yes. Study: VKGL Data-share Consensus. Not counted in ClinVar's aggregate classification.

Literature cited by the submitters: PubMed 31086307 (cited by Genomenon, Inc and Mayo Clinic Laboratories, Mayo Clinic); PubMed 24215330 (cited by Mayo Clinic Laboratories, Mayo Clinic and Women's Health and Genetics/Laboratory Corporation of America, LabCorp).

NM_000152.5(GAA):c.1552-13G>A

Gene: GAA (alpha glucosidase; plus strand). Cytogenetic location: 17q25.3.
Variant type: single nucleotide variant.
Coding change: c.1552-13G>A on transcript NM_000152.5 (MANE Select); 13 bases into the intron before coding-DNA position 1552, G replaced by A.
Molecular consequence: intron variant.
Genome position (GRCh38, 1-based): chr17:80,110,928, G>A. VCF-style: chr17-80110928-G-A. GRCh37 (hg19) VCF-style: chr17-78084727-G-A.
Other names: p.?; c.1552-13G>A (LRG_673t1, NM_001079803.3, NM_001079804.3).
Identifiers: ClinVar variation 255353 (VCV000255353.73), dbSNP rs111261964, ClinGen allele CA8815382.